The following is an entry in ClinVar:

NM_000138.5(FBN1):c.6314-6C>T

Gene: FBN1 (fibrillin 1; minus strand). Cytogenetic location: 15q21.1.
Variant type: single nucleotide variant.
Coding change: c.6314-6C>T on transcript NM_000138.5 (MANE Select); 6 bases into the intron before coding-DNA position 6314, C replaced by T.
Molecular consequence: intron variant.
Genome position (GRCh38, 1-based): chr15:48,437,393, G>A on the plus strand (C>T on the coding strand, the complement: FBN1 is on the minus strand). VCF-style: chr15-48437393-G-A. GRCh37 (hg19) VCF-style: chr15-48729590-G-A.
Identifiers: ClinVar variation 1137475 (VCV001137475.12), dbSNP rs2141240971, ClinGen allele CA2499222975.

ClinVar aggregate classification (germline): Likely benign. Review status: criteria provided, multiple submitters, no conflicts (2 of 4 stars). 3 submissions from 3 submitters: Likely benign (3). Last evaluated 2023-10-06.

Conditions:
Marfan syndrome (MFS). Also called: Marfan syndrome type 1; Marfan's syndrome; Marfan syndrome, classic; MARFAN SYNDROME, TYPE I; FBN1-Related Marfan Syndrome. Identifiers: Orphanet 284963, Orphanet 558, MedGen C0024796, MONDO:0007947, OMIM 154700.
Familial thoracic aortic aneurysm and aortic dissection (TAAD). Also called: Thoracic aortic aneurysms and dissections. Identifiers: Orphanet 91387, MedGen C4707243, MONDO:0019625.

Submissions (3):

All of Us Research Program, National Institutes of Health
Classification: Likely benign for Marfan syndrome. Last evaluated: 2023-10-06. Review status: criteria provided, single submitter. Criteria: ACMG Guidelines, 2015. Collection method: clinical testing. Allele origin: germline. Inheritance: Autosomal dominant inheritance. Observed: 1 variant allele, 1 heterozygote.
Comment: This study involves interpretation of variants in research participants for the purpose of population health screening. Participant phenotype was not available at the time of variant classification. Additional details can be found in publication PMID: 35346344, PMCID: PMC8962531

Labcorp Genetics (formerly Invitae), Labcorp
Classification: Likely benign for Marfan syndrome; Familial thoracic aortic aneurysm and aortic dissection. Last evaluated: 2021-09-16. Review status: criteria provided, single submitter. Criteria: Invitae Variant Classification Sherloc (09022015). Collection method: clinical testing. Allele origin: germline.

Color Diagnostics, LLC DBA Color Health
Classification: Likely benign for Familial thoracic aortic aneurysm and aortic dissection. Last evaluated: 2020-08-04. Review status: criteria provided, single submitter. Criteria: ACMG Guidelines, 2015. Collection method: clinical testing. Allele origin: germline.